The following is an entry in ClinVar:

ClinVar aggregate classification (germline): Pathogenic/Likely pathogenic. Review status: criteria provided, multiple submitters, no conflicts (2 of 4 stars). 12 submissions from 12 submitters: Pathogenic (7); Likely pathogenic (5). Last evaluated 2026-06-22.

Conditions:
Retinal dystrophy. Also called: Inherited retinal dystrophy. Identifiers: Orphanet 71862, MedGen C0854723, MeSH D058499, MONDO:0019118, HP:0000556.
Retinal disorder. Also called: Retinopathies; Retinal Diseases; Retinal disorders; Retinopathy. Identifiers: MedGen C0035309, MONDO:0005283, HP:0000488.
Severe early-childhood-onset retinal dystrophy (STGD1). Also called: Stargardt macular dystrophy; Juvenile onset macular degeneration; Stargardt disease 1; STGD; MACULAR DYSTROPHY WITH FLECKS, TYPE 1. Identifiers: Orphanet 364055, Orphanet 827, MedGen C1855465, MeSH D000080362, MONDO:0009549, OMIM 248200.
ABCA4-related disorder. Also called: ABCA4-related condition; ABCA4-related disorders. Identifiers: MedGen CN239167.
Cone-rod dystrophy 3 (CORD3). Identifiers: Orphanet 1872, MedGen C1858806, MONDO:0011395, OMIM 604116.
Retinitis pigmentosa 19 (RP19). Also called: ABCA4-Related Retinitis Pigmentosa. Identifiers: Orphanet 791, MedGen C1866422, MONDO:0011137, OMIM 601718.
Age related macular degeneration 2. Also called: MACULOPATHY, AGE-RELATED; MACULAR DEGENERATION, SENILE; MACULOPATHY, AGE-RELATED, 2. Identifiers: MedGen C3495438, MONDO:0007932, OMIM 153800.

Allele frequency attached by ClinVar (database versions not stated): gnomAD 0.00004 and below 0.00001; gnomAD exomes 0.00005 and 0.00008; 1000 Genomes Project 0.00020; 1000 Genomes Project 30x 0.00016; TOPMed 0.00002; ExAC 0.00015.
gnomAD v4.1: 81 of 1,614,188 alleles (0.005%); highest among the groups gnomAD compares: South Asian, 0.083%; 1 homozygote.

Submissions (12):

Genetics Laboratory, Great Ormond Street Hospital NHS Foundation Trust, North Thames Genomic Laboratory Hub
Classification: Pathogenic for Retinal disorders. Last evaluated: 2026-06-22. Review status: criteria provided, single submitter. Criteria: ACGS Best Practice Guidelines for Variant Classification in Rare Disease 2024 v1.2. Collection method: clinical testing. Allele origin: germline. Affected: yes.
Comment: PM2_moderate, PVS1_supporting, PM3_very-strong

PreventionGenetics, part of Exact Sciences
Classification: Likely pathogenic for ABCA4-related condition. Last evaluated: 2026-05-11. Review status: criteria provided, single submitter. Criteria: ACMG Guidelines, 2015. Collection method: clinical testing. Allele origin: germline.
Comment: The ABCA4 c.859-9T>C variant is predicted to interfere with splicing. While in silico models do not predict this variant to affect splicing at the canonical splice acceptor site (SpliceAI, Jaganathan et al. 2019. PubMed ID: 30661751), functional studies have found that this variant results in abnormal splicing in 25% of transcripts (Sangermano et al. 2017. PubMed ID: 29162642). This variant has been reported in the homozygous state or in the heterozygous state along with a second probable causative variant, in individuals with retinal disease (see for examples: Fujinami et al. 2013. PubMed ID: 23982839; Zernant et al. 2014. PubMed ID: 25082829; Alapati et al. 2014. PubMed ID: 25082885; Sangermano et al. 2017. PubMed ID: 29162642; supplementary data, Fujinami et al. 2018. PubMed ID: 29925512; supplementary data, Zampaglione et al. 2020. PubMed ID: 32037395; supplementary data, Khan et al. 2020. PubMed ID: 32307445; supplementary data, Cornelis et al. 2022. PubMed ID: 35120629; Table S1, Lin et al. 2024. PubMed ID: 38219857). This variant is reported in 0.069% of alleles in individuals of South Asian descent in gnomAD. Authors from several publications consider this a mild variant, which would be consistent with a higher allele frequency in the general population (Sangermano et al. 2017. PubMed ID: 29162642; supplementary data, Cornelis et al. 2022. PubMed ID: 35120629). Taken together, this variant is interpreted as likely pathogenic.

Labcorp Genetics (formerly Invitae), Labcorp
Classification: Pathogenic. Last evaluated: 2026-01-02. Review status: criteria provided, single submitter. Criteria: Invitae Variant Classification Sherloc (09022015). Collection method: clinical testing. Allele origin: germline.
Comment: This sequence change falls in intron 7 of the ABCA4 gene. It does not directly change the encoded amino acid sequence of the ABCA4 protein. This variant is present in population databases (rs529598960, gnomAD 0.06%). This variant has been observed in individual(s) with clinical features of ABCA4-related retinal dystropy (PMID: 23982839, 25082829, 25082885, 28327576). In at least one individual the data is consistent with being in trans (on the opposite chromosome) from a pathogenic variant. ClinVar contains an entry for this variant (Variation ID: 859348). Studies have shown that this variant alters ABCA4 gene expression (PMID: 29162642). Algorithms developed to predict the effect of sequence changes on RNA splicing suggest that this variant may disrupt the consensus splice site. For these reasons, this variant has been classified as Pathogenic.

First Genomix Gene Laboratory, Genetic Diagnostics Department
Classification: Pathogenic for Cone-rod dystrophy 3; Severe early-childhood-onset retinal dystrophy; Retinitis pigmentosa 19. Last evaluated: 2025-03-21. Review status: criteria provided, single submitter. Criteria: ACMG Guidelines, 2015. Collection method: clinical testing. Allele origin: germline. Inheritance: Autosomal recessive inheritance. Affected: no. Observed: 1 variant allele.

3billion
Classification: Pathogenic for ABCA4-related disorder. Last evaluated: 2025-03-10. Review status: criteria provided, single submitter. Criteria: ACMG Guidelines, 2015. Collection method: clinical testing. Allele origin: germline. Affected: yes.
Comment: The variant is observed at an extremely low frequency in the gnomAD v4.1.0 dataset (total allele frequency: 0.005%). Predicted Consequence/Location: Intron variant In silico tools predict the variant to alter splicing and produce an abnormal transcript [SpliceAI: 0.13 (spliceogenicity >=0.2, non-spliceogenicity <0.1)]. The variant has been reported to be in trans with a pathogenic variant as either compound heterozygous or homozygous in at least 2 similarly affected unrelated individuals (PMID: 28327576). The variant has been reported at least twice as pathogenic with clinical assertions and evidence for the classification (ClinVar ID: VCV000859348). Therefore, this variant is classified as Pathogenic according to the recommendation of ACMG/AMP guideline.

SingHealth Duke-NUS Institute of Precision Medicine
Classification: Likely pathogenic for Severe early-childhood-onset retinal dystrophy. Last evaluated: 2025-02-05. Review status: criteria provided, single submitter. Criteria: PRISM ACMG Classification Criteria. Collection method: clinical testing. Allele origin: germline. Affected: yes.
Comment: Homozygous allele count in gnomAD exomes and genomes are less than 2 (PM2). Variant is a splice variant which may truncate the protein (PVS1_mod). Study has shown the variant affects protein function (PS3_supp, PMID:29162642). Variant is observed in trans with other pathogenic variant (PM3, PMID:25082829 + internal data)

GeneDx
Classification: Pathogenic. Last evaluated: 2024-11-13. Review status: criteria provided, single submitter. Criteria: GeneDx Variant Classification Process June 2021. Collection method: clinical testing. Allele origin: germline. Affected: yes.
Comment: This variant is associated with the following publications: (PMID: 23982839, 25082885, 25082829, 29925512, 29162642, 36648511, 32037395, 35089312, 28327576, 31964843, 35120629, 33258285, 32307445, 38219857)

Blueprint Genetics
Classification: Pathogenic for ABCA4-related disorders. Last evaluated: 2024-05-06. Review status: criteria provided, single submitter. Criteria: ACMG Guidelines, 2015. Collection method: clinical testing. Allele origin: germline. Affected: yes. Observed: 5 variant alleles.

Fulgent Genetics
Classification: Likely pathogenic for Age related macular degeneration 2; Severe early-childhood-onset retinal dystrophy; Retinitis pigmentosa 19; Cone-rod dystrophy 3. Last evaluated: 2024-05-06. Review status: criteria provided, single submitter. Criteria: ACMG Guidelines, 2015. Collection method: clinical testing. Allele origin: germline.

North West Genomic Laboratory Hub, Manchester University NHS Foundation Trust
Classification: Pathogenic for Retinal disorders. Last evaluated: 2023-12-21. Review status: criteria provided, single submitter. Criteria: ACGS Best Practice Guidelines for Variant Classification in Rare Disease 2020. Collection method: clinical testing. Allele origin: germline. Affected: yes.
Comment: PM2_Mod PM3_VStr PS3_Supp

Revvity Omics, Revvity
Classification: Likely pathogenic. Last evaluated: 2022-06-22. Review status: criteria provided, single submitter. Criteria: ACMG Guidelines, 2015. Collection method: clinical testing. Allele origin: germline.

Institute of Human Genetics, Univ. Regensburg, Univ. Regensburg
Classification: Likely pathogenic for Retinal dystrophy. Last evaluated: 2021-01-01. Review status: criteria provided, single submitter. Criteria: ACMG Guidelines, 2015. Collection method: clinical testing. Allele origin: germline. Affected: yes.

Literature cited by the submitters: PubMed 23982839 (cited by Labcorp Genetics (formerly Invitae), Labcorp and Institute of Human Genetics, Univ. Regensburg, Univ. Regensburg); PubMed 25082829 (cited by 3 submitters); PubMed 25082885 (cited by Labcorp Genetics (formerly Invitae), Labcorp and Institute of Human Genetics, Univ. Regensburg, Univ. Regensburg); PubMed 28327576 (cited by Labcorp Genetics (formerly Invitae), Labcorp and 3billion); PubMed 29162642 (cited by 3 submitters); PubMed 29925512 (cited by Institute of Human Genetics, Univ. Regensburg, Univ. Regensburg); PubMed 31964843 (cited by Institute of Human Genetics, Univ. Regensburg, Univ. Regensburg); PubMed 32307445 (cited by Institute of Human Genetics, Univ. Regensburg, Univ. Regensburg); PubMed 32037395 (cited by Institute of Human Genetics, Univ. Regensburg, Univ. Regensburg).

NM_000350.3(ABCA4):c.859-9T>C

Gene: ABCA4 (ATP binding cassette subfamily A member 4; minus strand). Cytogenetic location: 1p22.1.
Variant type: single nucleotide variant.
Coding change: c.859-9T>C on transcript NM_000350.3 (MANE Select); 9 bases into the intron before coding-DNA position 859, T replaced by C.
Molecular consequence: intron variant.
Genome position (GRCh38, 1-based): chr1:94,080,727, A>G on the plus strand (T>C on the coding strand, the complement: ABCA4 is on the minus strand). VCF-style: chr1-94080727-A-G. GRCh37 (hg19) VCF-style: chr1-94546283-A-G.
Identifiers: ClinVar variation 859348 (VCV000859348.29), dbSNP rs529598960, ClinGen allele CA958689.
Genomic context (GRCh38, chr1:94,080,727, plus strand): 5'-TGAGGGGCCTGGTCACCCACAGCAAGTCCTGCATACTCGGCCGATGGATAAACTAGGGCA[A>G]GGCAAAGTCTTCAGGTTATTTTAAGGCAGCTAGAGTCATAATCTGCTGTGAGGCCAATGC-3'